The following is an entry in ClinVar:

NM_004006.3(DMD):c.1990C>T (p.Gln664Ter)

Gene: DMD (dystrophin; minus strand). Cytogenetic location: Xp21.1.
Variant type: single nucleotide variant.
Coding change: c.1990C>T on transcript NM_004006.3 (MANE Select); coding-DNA position 1990, C replaced by T.
Protein change: p.Gln664Ter; replaces glutamine 664 with a stop codon.
Molecular consequence: nonsense.
Genome position (GRCh38, 1-based): chrX:32,565,704, G>A on the plus strand (C>T on the coding strand, the complement: DMD is on the minus strand). VCF-style: chrX-32565704-G-A. GRCh37 (hg19) VCF-style: chrX-32583821-G-A.
Other names: NP_003997.1:p.Gln664*; c.1966C>T, p.Gln656Ter (NM_000109.4); c.1978C>T, p.Gln660Ter (NM_004009.3); c.1621C>T, p.Gln541Ter (NM_004010.3); short protein forms Q664*, Q541*, Q660*, Q656*.
Identifiers: ClinVar variation 94486 (VCV000094486.18), dbSNP rs398123870, ClinGen allele CA266909.
Genomic context (GRCh38, chrX:32,565,704, plus strand): 5'-AATGCAGGTTTAAAAAATCTCTGAGATAGTCTGTAGCATGATAATTGGTATCACTAACCT[G>A]TGCTGTACTCTTTTCAAGTTTTTGGACTAAATTATCCCAACACCGGGCAAAGTTATCCAG-3'

ClinVar aggregate classification (germline): Pathogenic. Review status: criteria provided, multiple submitters, no conflicts (2 of 4 stars). 3 submissions from 3 submitters: Pathogenic (3). Last evaluated 2025-06-02.

Conditions:
Duchenne muscular dystrophy (DMD). Also called: Duchenne Muscular Dystrophy (DMD); MUSCULAR DYSTROPHY, PSEUDOHYPERTROPHIC PROGRESSIVE, DUCHENNE TYPE. Identifiers: Orphanet 98896, MedGen C0013264, MONDO:0010679, OMIM 310200.

Submissions (3):

Revvity Omics, Revvity
Classification: Pathogenic. Last evaluated: 2025-06-02. Review status: criteria provided, single submitter. Criteria: ACMG Guidelines, 2015. Collection method: clinical testing. Allele origin: germline.

Labcorp Genetics (formerly Invitae), Labcorp
Classification: Pathogenic for Duchenne muscular dystrophy. Last evaluated: 2024-02-22. Review status: criteria provided, single submitter. Criteria: Invitae Variant Classification Sherloc (09022015). Collection method: clinical testing. Allele origin: germline.
Comment: This sequence change creates a premature translational stop signal (p.Gln664*) in the DMD gene. It is expected to result in an absent or disrupted protein product. Loss-of-function variants in DMD are known to be pathogenic (PMID: 16770791, 25007885). This variant is not present in population databases (gnomAD no frequency). This premature translational stop signal has been observed in individuals with Duchenne muscular dystrophy (PMID: 15643612, 21515508, 21520333). ClinVar contains an entry for this variant (Variation ID: 94486). For these reasons, this variant has been classified as Pathogenic.

Eurofins Ntd Llc (ga)
Classification: Pathogenic. Last evaluated: 2012-12-11. Review status: criteria provided, single submitter. Criteria: EGL Classification Definitions 2015. Collection method: clinical testing. Allele origin: germline. Observed: 2 variant alleles, 2 heterozygotes.

Literature cited by the submitters: PubMed 16770791 (cited by Labcorp Genetics (formerly Invitae), Labcorp); PubMed 25007885 (cited by Labcorp Genetics (formerly Invitae), Labcorp); PubMed 15643612 (cited by Labcorp Genetics (formerly Invitae), Labcorp); PubMed 21515508 (cited by Labcorp Genetics (formerly Invitae), Labcorp); PubMed 21520333 (cited by Labcorp Genetics (formerly Invitae), Labcorp).